The following is an entry in ClinVar:

NM_001374736.1(DST):c.14459T>G (p.Leu4820Arg)

Gene: DST (dystonin; minus strand). Cytogenetic location: 6p12.1.
Variant type: single nucleotide variant.
Coding change: c.14459T>G on transcript NM_001374736.1 (MANE Select); coding-DNA position 14459, T replaced by G.
Protein change: p.Leu4820Arg; replaces leucine 4820 with arginine.
Molecular consequence: missense variant.
Genome position (GRCh38, 1-based): chr6:56,557,500, A>C on the plus strand (T>G on the coding strand, the complement: DST is on the minus strand). VCF-style: chr6-56557500-A-C. GRCh37 (hg19) VCF-style: chr6-56422298-A-C.
Other names: c.8102T>G, p.Leu2701Arg (NM_001144769.5); c.7688T>G, p.Leu2563Arg (NM_001144770.2); c.14459T>G, p.Leu4820Arg (NM_001374722.1); c.13826T>G, p.Leu4609Arg (NM_001374729.1); c.7568T>G, p.Leu2523Arg (NM_001374730.1, NM_001386100.1, NM_183380.4); c.14486T>G, p.Leu4829Arg (NM_001374734.1); c.6590T>G, p.Leu2197Arg (NM_015548.5); short protein forms L2523R, L4609R, L4820R, L2563R, L2701R, L4829R, L2197R.
Identifiers: ClinVar variation 1762011 (VCV001762011.2), dbSNP rs2535429903, ClinGen allele CA364521470.
Genomic context (GRCh38, chr6:56,557,500, plus strand): 5'-TGGGTTAGATTATTGGAGGATTCTTCCAGTTTTTGTTGTCTATCAATTGTTAATTGATTG[A>C]GTTCTTGCCACTTAGAATCTAAAAGAAAAAAAATGAAACTGGTGTTTGACATTTTTTGCA-3'
Protein context (NP_001361665.1, residues 4810-4830): LTEIDSKWQE[Leu4820Arg]NQLTIDRQQK

ClinVar aggregate classification (germline): Uncertain significance (1 of 4 stars; one submission).

Conditions:
Inborn genetic diseases. Identifiers: MedGen C0950123, MeSH D030342.

Submission:

Ambry Genetics
Classification: Uncertain significance for Inborn genetic diseases. Last evaluated: 2019-09-20. Review status: criteria provided, single submitter. Criteria: Ambry Variant Classification Scheme 2023. Collection method: clinical testing. Allele origin: germline.
Comment: The p.L2701R variant (also known as c.8102T>G), located in coding exon 53 of the DST gene, results from a T to G substitution at nucleotide position 8102. The leucine at codon 2701 is replaced by arginine, an amino acid with dissimilar properties. This amino acid position is highly conserved through mammals but not in all available vertebrate species. In addition, the in silico prediction for this alteration is inconclusive. Since supporting evidence is limited at this time, the clinical significance of this alteration remains unclear.